The following is an entry in ClinVar:

ClinVar aggregate classification (germline): Conflicting classifications of pathogenicity. Review status: criteria provided, conflicting classifications (1 of 4 stars). 6 submissions from 6 submitters: Uncertain significance (4); Likely benign (1). 1 of the submissions does not count toward it. Last evaluated 2025-10-28.

Conditions:
Alstrom syndrome (ALMS). Identifiers: Orphanet 64, MedGen C0268425, MONDO:0008763, OMIM 203800.
Cardiovascular phenotype. Identifiers: MedGen CN230736.

Allele frequency attached by ClinVar (database versions not stated): gnomAD 0.00007; gnomAD exomes 0.00002.

Submissions (6):

GeneDx
Classification: Uncertain significance. Last evaluated: 2025-10-28. Review status: criteria provided, single submitter. Criteria: GeneDx Variant Classification Process June 2021. Collection method: clinical testing. Allele origin: germline.
Comment: In silico analysis suggests that this missense variant does not alter protein structure/function; Has not been previously published as pathogenic or benign to our knowledge

ARUP Laboratories, Molecular Genetics and Genomics, ARUP Laboratories
Classification: Uncertain significance for Alstrom syndrome. Last evaluated: 2024-12-24. Review status: criteria provided, single submitter. Criteria: ARUP Molecular Germline Variant Investigation Process 2024. Collection method: clinical testing. Allele origin: germline.
Comment: The ALMS1 c.3974T>G; p.Val1325Gly variant (rs868269804), to our knowledge, is not reported in the medical literature but is reported in ClinVar (Variation ID: 989570). This variant is found in the general population with an overall allele frequency of 0.01% (4/28,710 alleles) in the Genome Aggregation Database (v2.1.1). Computational analyses predict that this variant is neutral (REVEL: 0.136). However, given the lack of clinical and functional data, the significance of this variant is uncertain at this time.

Labcorp Genetics (formerly Invitae), Labcorp
Classification: Uncertain significance for Alstrom syndrome. Last evaluated: 2024-11-02. Review status: criteria provided, single submitter. Criteria: Invitae Variant Classification Sherloc (09022015). Collection method: clinical testing. Allele origin: germline.
Comment: This sequence change replaces valine, which is neutral and non-polar, with glycine, which is neutral and non-polar, at codon 1326 of the ALMS1 protein (p.Val1326Gly). The frequency data for this variant in the population databases is considered unreliable, as metrics indicate poor data quality at this position in the gnomAD database. This variant has not been reported in the literature in individuals affected with ALMS1-related conditions. ClinVar contains an entry for this variant (Variation ID: 989570). Experimental studies and prediction algorithms are not available or were not evaluated, and the functional significance of this variant is currently unknown. In summary, the available evidence is currently insufficient to determine the role of this variant in disease. Therefore, it has been classified as a Variant of Uncertain Significance.

Fulgent Genetics
Classification: Uncertain significance for Alstrom syndrome. Last evaluated: 2021-10-26. Review status: criteria provided, single submitter. Criteria: ACMG Guidelines, 2015. Collection method: clinical testing. Allele origin: unknown.

Ambry Genetics
Classification: Likely benign for Cardiovascular phenotype. Last evaluated: 2021-04-11. Review status: criteria provided, single submitter. Criteria: Ambry Variant Classification Scheme 2023. Collection method: clinical testing. Allele origin: germline.

Natera, Inc.
Classification: Likely benign for Alstrom syndrome. Last evaluated: 2020-10-29. Review status: no assertion criteria provided. Collection method: clinical testing. Allele origin: germline. Not counted in ClinVar's aggregate classification.

NM_001378454.1(ALMS1):c.3974T>G (p.Val1325Gly)

Gene: ALMS1 (ALMS1 centrosome and basal body associated protein; plus strand). Cytogenetic location: 2p13.1.
Variant type: single nucleotide variant.
Coding change: c.3974T>G on transcript NM_001378454.1 (MANE Select); coding-DNA position 3974, T replaced by G.
Protein change: p.Val1325Gly; replaces valine 1325 with glycine.
Molecular consequence: missense variant.
Genome position (GRCh38, 1-based): chr2:73,450,501, T>G. VCF-style: chr2-73450501-T-G. GRCh37 (hg19) VCF-style: chr2-73677628-T-G.
Other names: c.3977T>G, p.Val1326Gly (NM_015120.4); short protein forms V1325G, V1326G.
Identifiers: ClinVar variation 989570 (VCV000989570.12), dbSNP rs868269804, ClinGen allele CA50392986.
Genomic context (GRCh38, chr2:73,450,501, plus strand): 5'-ATCTAACTGAAGAGGCTAAGAATGTTTCAGCGGTTCCTGGACCAGCTGACCAGAAGACTG[T>G]GATACCAATTTTACCCTCTACTTTCTACTCACACACAGAGAAGCCTGGTGTTTTCTACCA-3'
Protein context (NP_001365383.1, residues 1315-1335): AVPGPADQKT[Val1325Gly]IPILPSTFYS